The following is an entry in ClinVar:

NM_006031.6(PCNT):c.5992C>T (p.Gln1998Ter)

Gene: PCNT (pericentrin; plus strand). Cytogenetic location: 21q22.3.
Variant type: single nucleotide variant.
Coding change: c.5992C>T on transcript NM_006031.6 (MANE Select); coding-DNA position 5992, C replaced by T.
Protein change: p.Gln1998Ter; replaces glutamine 1998 with a stop codon.
Molecular consequence: nonsense.
Genome position (GRCh38, 1-based): chr21:46,412,065, C>T. VCF-style: chr21-46412065-C-T. GRCh37 (hg19) VCF-style: chr21-47831979-C-T.
Other names: c.5638C>T, p.Gln1880Ter (NM_001315529.2); short protein forms Q1998*, Q1880*.
Identifiers: ClinVar variation 436268 (VCV000436268.37), dbSNP rs757577162, ClinGen allele CA10080140.

ClinVar aggregate classification (germline): Pathogenic/Likely pathogenic. Review status: criteria provided, multiple submitters, no conflicts (2 of 4 stars). 5 submissions from 5 submitters: Pathogenic (3); Likely pathogenic (1). 1 of the submissions does not count toward it. Last evaluated 2025-10-12.

Conditions:
PCNT-related disorder. Also called: PCNT-related condition.
Microcephalic osteodysplastic primordial dwarfism type II (MOPD2). Also called: OSTEODYSPLASTIC PRIMORDIAL DWARFISM, TYPE II; Microcephalic osteodysplastic primordial dwarfism with tooth abnormalities; MOPD II. Identifiers: Orphanet 2637, MedGen C0432246, MONDO:0008872, OMIM 210720.

Allele frequency attached by ClinVar (database versions not stated): ExAC 0.00001; gnomAD exomes 0.00001 and 0.00005; gnomAD 0.00002 and 0.00003; TOPMed 0.00002.
gnomAD v4.1: 75 of 1,606,228 alleles (0.0047%); highest among the groups gnomAD compares: Non-Finnish European, 0.0058%; no homozygotes.

Submissions (5):

Labcorp Genetics (formerly Invitae), Labcorp
Classification: Pathogenic. Last evaluated: 2025-10-12. Review status: criteria provided, single submitter. Criteria: Invitae Variant Classification Sherloc (09022015). Collection method: clinical testing. Allele origin: germline.
Comment: This sequence change creates a premature translational stop signal (p.Gln1998*) in the PCNT gene. It is expected to result in an absent or disrupted protein product. Loss-of-function variants in PCNT are known to be pathogenic (PMID: 18174396, 22821869). This variant is present in population databases (rs757577162, gnomAD 0.005%). This premature translational stop signal has been observed in individual(s) with microcephalic osteodysplastic primordial dwarfism type II (PMID: 18174396). ClinVar contains an entry for this variant (Variation ID: 436268). For these reasons, this variant has been classified as Pathogenic.

GeneDx
Classification: Likely pathogenic. Last evaluated: 2023-07-05. Review status: criteria provided, single submitter. Criteria: GeneDx Variant Classification Process June 2021. Collection method: clinical testing. Allele origin: germline. Affected: yes.
Comment: Nonsense variant predicted to result in protein truncation or nonsense mediated decay in a gene for which loss of function is a known mechanism of disease; Not observed at significant frequency in large population cohorts (gnomAD); Identified in a patient with clinical features consistent with microcephalic osteodysplastic primordial dwarfism in the presence of a second PCNT variant (Rauch A et al., 2008); This variant is associated with the following publications: (PMID: 25525159, 32267100, 18174396)

CeGaT Center for Human Genetics Tuebingen
Classification: Pathogenic. Last evaluated: 2023-06-01. Review status: criteria provided, single submitter. Criteria: CeGaT Center For Human Genetics Tuebingen Variant Classification Criteria Version 2. Collection method: clinical testing. Allele origin: germline. Affected: yes. Observed: 1 variant allele.
Comment: PCNT: PVS1, PM2

Genetic Services Laboratory, University of Chicago
Classification: Pathogenic for Microcephalic osteodysplastic primordial dwarfism, type II. Last evaluated: 2016-08-30. Review status: criteria provided, single submitter. Criteria: ACMG Guidelines, 2015. Collection method: clinical testing. Allele origin: germline. Affected: yes.

PreventionGenetics, part of Exact Sciences
Classification: Pathogenic for PCNT-related condition. Last evaluated: 2024-01-09. Review status: no assertion criteria provided. Collection method: clinical testing. Allele origin: germline. Not counted in ClinVar's aggregate classification.
Comment: The PCNT c.5992C>T variant is predicted to result in premature protein termination (p.Gln1998*). This variant, with a second PCNT variant, has been reported in individuals with microcephalic osteodysplastic primordial dwarfism type 2 (Table S2, Rauch et al. 2008. PubMed ID: 18174396; Table S1, Bober et al. 2012. PubMed ID: 22821869). This variant is reported in 0.0057% of alleles in individuals of European (Finnish) descent in gnomAD. Nonsense variants in PCNT are expected to be pathogenic. This variant is interpreted as pathogenic.

Literature cited by the submitters: PubMed 18174396 (cited by Labcorp Genetics (formerly Invitae), Labcorp); PubMed 22821869 (cited by Labcorp Genetics (formerly Invitae), Labcorp).